The following is an entry in ClinVar:

NM_003846.3(PEX11B):c.4dup (p.Asp2fs)

Gene: PEX11B (peroxisomal biogenesis factor 11 beta; minus strand). Cytogenetic location: 1q21.1.
Variant type: Duplication.
Coding change: c.4dup on transcript NM_003846.3 (MANE Select); coding-DNA position 4, one base duplicated (G; older notation c.4dupG).
Protein change: p.Asp2fs; shifts the reading frame from aspartic acid 2.
Molecular consequence: frameshift variant, initiator codon variant. On other transcripts: non-coding transcript variant (2).
Genome position (GRCh38, 1-based): chr1:145,918,685, C duplicated on the plus strand (G on the coding strand, the reverse complement: PEX11B is on the minus strand); the first of 2 consecutive C bases (chr1:145,918,685-145,918,686); duplicating either gives the same sequence. VCF-style (leftmost placement, unchanged base first): chr1-145918684-T-TC. GRCh37 (hg19) VCF-style: chr1-145516402-T-TG.
Other names: short protein forms D2fs.
Identifiers: ClinVar variation 4996814 (VCV004996814.1).
Genomic context (GRCh38, chr1:145,918,684, plus strand): 5'-GGGCCGCACCTACACAGCCGCTCCCGGGCTTGGCTCTGAGCACTGAAGCGGACCCAGGCG[T>TC]CCATGACAGCCGCAGCCCAGGCTCCGCGGCCCTGCTCCCGCCCCACTTCCCGCCCCTAGT-3'

ClinVar aggregate classification (germline): Likely pathogenic (1 of 4 stars; one submission).

Conditions:
PEX11B-related disorder. Also called: PEX11B-related condition.

Submission:

PreventionGenetics, part of Exact Sciences
Classification: Likely pathogenic for PEX11B-related condition. Last evaluated: 2025-08-05. Review status: criteria provided, single submitter. Criteria: ACMG Guidelines, 2015. Collection method: clinical testing. Allele origin: germline.
Comment: The PEX11B c.4dupG variant is predicted to result in a frameshift and premature protein termination (p.Asp2Glyfs*18). To our knowledge, this variant has not been reported in the literature or in a large population database (gnomAD), indicating this variant is rare. Frameshift variants in PEX11B are expected to be pathogenic. Upstream loss of start codon has been reported to be pathogenic (Henning et al. 2024. PubMed ID: 39092477) and there is no alternative start codon located in 3' region nearby to this variant. This variant is interpreted as likely pathogenic.